The following is an entry in ClinVar:

NM_032444.4(SLX4):c.842C>G (p.Ala281Gly)

Gene: SLX4 (SLX4 structure-specific endonuclease subunit; minus strand). Cytogenetic location: 16p13.3.
Variant type: single nucleotide variant.
Coding change: c.842C>G on transcript NM_032444.4 (MANE Select); coding-DNA position 842, C replaced by G.
Protein change: p.Ala281Gly; replaces alanine 281 with glycine.
Molecular consequence: missense variant.
Genome position (GRCh38, 1-based): chr16:3,602,226, G>C on the plus strand (C>G on the coding strand, the complement: SLX4 is on the minus strand). VCF-style: chr16-3602226-G-C. GRCh37 (hg19) VCF-style: chr16-3652227-G-C.
Other names: short protein forms A281G.
Identifiers: ClinVar variation 1022087 (VCV001022087.8), dbSNP rs1263321133, ClinGen allele CA394532384.
Genomic context (GRCh38, chr16:3,602,226, plus strand): 5'-TTTTGACAAATCTGGCAGAAGAACAAACCCTTTTCCTCCAGGCTATCATCATGTGCCGAT[G>C]CTCCTACCCGTGCAAACTCCTGCTGCAGGGTCAAGGCCACCGCAGCGTCGCTCTCTGGGG-3'
Protein context (NP_115820.2, residues 271-291): TLQQEFARVG[Ala281Gly]SAHDDSLEEK

ClinVar aggregate classification (germline): Uncertain significance (1 of 4 stars; one submission).

Conditions:
Fanconi anemia (FA). Also called: Fanconi's anemia. Identifiers: Orphanet 84, MedGen C0015625, MeSH D005199, MONDO:0019391.

Allele frequency attached by ClinVar (database versions not stated): gnomAD exomes below 0.00001; TOPMed below 0.00001; gnomAD 0.00001.
gnomAD v4.1: 3 of 1,614,042 alleles (0.00019%); highest among the groups gnomAD compares: Non-Finnish European, 0.00025%; no homozygotes.

Submission:

Labcorp Genetics (formerly Invitae), Labcorp
Classification: Uncertain significance for Fanconi anemia. Last evaluated: 2025-04-23. Review status: criteria provided, single submitter. Criteria: Invitae Variant Classification Sherloc (09022015). Collection method: clinical testing. Allele origin: germline.
Comment: This sequence change replaces alanine, which is neutral and non-polar, with glycine, which is neutral and non-polar, at codon 281 of the SLX4 protein (p.Ala281Gly). This variant is not present in population databases (gnomAD no frequency). This variant has not been reported in the literature in individuals affected with SLX4-related conditions. ClinVar contains an entry for this variant (Variation ID: 1022087). An algorithm developed to predict the effect of missense changes on protein structure and function (PolyPhen-2) suggests that this variant is likely to be disruptive. In summary, the available evidence is currently insufficient to determine the role of this variant in disease. Therefore, it has been classified as a Variant of Uncertain Significance.